The following is an entry in ClinVar:

NM_000321.3(RB1):c.1960+1del

Gene: RB1 (RB transcriptional corepressor 1; plus strand). Cytogenetic location: 13q14.2.
Variant type: Deletion.
Coding change: c.1960+1del on transcript NM_000321.3 (MANE Select); the canonical splice donor site of the intron after coding-DNA position 1960, one base deleted (G; older notation c.1960+1delG).
Molecular consequence: splice donor variant.
Genome position (GRCh38, 1-based): chr13:48,456,350, G deleted; the last of 2 consecutive G bases (chr13:48,456,349-48,456,350); deleting either gives the same sequence. VCF-style (leftmost placement, unchanged base first): chr13-48456348-AG-A. GRCh37 (hg19) VCF-style: chr13-49030484-AG-A.
Other names: c.1960+1del (NM_001407165.1); c.1960+1delG (NM_000321.2).
Identifiers: ClinVar variation 3237046 (VCV003237046.2), dbSNP rs2542364443.
Genomic context (GRCh38, chr13:48,456,348, plus strand): 5'-CTCAGCCTTCCAGACCCAGAAGCCATTGAAATCTACCTCTCTTTCACTGTTTTATAAAAA[AG>A]GTTAGTAGATGATTATTTTCAAGAGCATGGACTCTGAAACTAGGCTGACTGGGTTCAAAT-3'

ClinVar aggregate classification (germline): Pathogenic. Review status: criteria provided, multiple submitters, no conflicts (2 of 4 stars). 2 submissions from 2 submitters: Pathogenic (2). Last evaluated 2026-08-24.

Conditions:
Retinoblastoma (RB1). Also called: RETINOBLASTOMA, SOMATIC. Identifiers: Orphanet 790, MedGen C0035335, MeSH D012175, MONDO:0008380, OMIM 180200, HP:0009919. Disease mechanism: loss of function. Inheritance: Both sporadic and heritable forms are tested..
Hereditary cancer-predisposing syndrome. Also called: Neoplastic Syndromes, Hereditary; Tumor predisposition; Hereditary Cancer Syndrome; Hereditary neoplastic syndrome. Identifiers: Orphanet 140162, MedGen C0027672, MeSH D009386, MONDO:0015356.

Submissions (2):

Ambry Genetics
Classification: Pathogenic for Hereditary cancer-predisposing syndrome. Last evaluated: 2026-08-24. Review status: criteria provided, single submitter. Criteria: Ambry Variant Classification Scheme 2023. Collection method: clinical testing. Allele origin: germline.
Comment: The c.1960+1delG intronic pathogenic mutation, located in intron 19 of the RB1 gene, results from a deletion of one nucleotide within intron 19 of the RB1 gene. This nucleotide position is highly conserved in available vertebrate species. In silico splice site analysis predicts that this alteration will weaken the native splice donor site and will result in the creation or strengthening of a novel splice donor site. This variant was reported in individual(s) with features consistent with retinoblastoma (Faranoush M et al. Cancer Med, 2025 May;14:e70922; Akdeniz Odemis D et al. Medicine (Baltimore), 2023 Sep;102:e35068; Rodr&iacute;guez-Mart&iacute;n C et al. J Hum Genet, 2020 Jan;65:165-174; Lohmann DR et al. Hum Mol Genet, 1994 Dec;3:2187-93). Other variant(s) impacting the same donor site (c.1960+5G>C) have been identified in individual(s) with features consistent with retinoblastoma (Ambry internal data). This variant is considered to be rare based on population cohorts in the Genome Aggregation Database (gnomAD). Based on the supporting evidence, this variant is interpreted as a disease-causing mutation.

Genetic Diagnostic Laboratory, University of Pennsylvania School of Medicine
Classification: Pathogenic for Retinoblastoma. Last evaluated: 2024-05-20. Review status: criteria provided, single submitter. Criteria: ACMG Guidelines, 2015. Collection method: clinical testing. Allele origin: germline. Affected: yes. Observed: 2 variant alleles.
Comment: Case and Pedigree Information: BILATERAL CASES:2, UNILATERAL CASES:0, TOTAL CASES:2, PEDIGREES:2. ACMG Codes Applied:PVS1, PM2

Literature cited by the submitters: PubMed 31772335 (cited by Ambry Genetics); PubMed 37682130 (cited by Ambry Genetics); PubMed 40317918 (cited by Ambry Genetics); PubMed 7881418 (cited by Ambry Genetics).